The following is an entry in ClinVar:

ClinVar aggregate classification (germline): Uncertain significance (1 of 4 stars; one submission).

Allele frequency attached by ClinVar (database versions not stated): gnomAD exomes below 0.00001.
gnomAD v4.1: 1 of 1,614,080 alleles (0.000062%); highest among the groups gnomAD compares: Non-Finnish European, 0.000085%; no homozygotes.

Submission:

Women's Health and Genetics/Laboratory Corporation of America, LabCorp
Classification: Uncertain significance. Last evaluated: 2023-08-21. Review status: criteria provided, single submitter. Criteria: LabCorp Variant Classification Summary - May 2015. Collection method: clinical testing. Allele origin: germline.
Comment: Variant summary: LAMA1 c.1873G>A (p.Gly625Ser) results in a non-conservative amino acid change located in the Laminin IV domain (IPR000034) of the encoded protein sequence. Three of five in-silico tools predict a damaging effect of the variant on protein function. The variant was absent in 251432 control chromosomes. The available data on variant occurrences in the general population are insufficient to allow any conclusion about variant significance. To our knowledge, no occurrence of c.1873G>A in individuals affected with Ataxia-Intellectual Disability-Oculomotor Apraxia-Cerebellar Cysts Syndrome and no experimental evidence demonstrating its impact on protein function have been reported. No submitters have cited clinical-significance assessments for this variant to ClinVar after 2014. Based on the evidence outlined above, the variant was classified as uncertain significance.

NM_005559.4(LAMA1):c.1873G>A (p.Gly625Ser)

Gene: LAMA1 (laminin subunit alpha 1; minus strand). Cytogenetic location: 18p11.31.
Variant type: single nucleotide variant.
Coding change: c.1873G>A on transcript NM_005559.4 (MANE Select); coding-DNA position 1873, G replaced by A.
Protein change: p.Gly625Ser; replaces glycine 625 with serine.
Molecular consequence: missense variant.
Genome position (GRCh38, 1-based): chr18:7,034,657, C>T on the plus strand (G>A on the coding strand, the complement: LAMA1 is on the minus strand). VCF-style: chr18-7034657-C-T. GRCh37 (hg19) VCF-style: chr18-7034656-C-T.
Other names: short protein forms G625S.
Identifiers: ClinVar variation 2581280 (VCV002581280.1), dbSNP rs2510086016, ClinGen allele CA401830535.